The following is an entry in ClinVar:

NM_004336.5(BUB1):c.2874A>C (p.Lys958Asn)

Gene: BUB1 (BUB1 mitotic checkpoint serine/threonine kinase; minus strand). Cytogenetic location: 2q13.
Variant type: single nucleotide variant.
Coding change: c.2874A>C on transcript NM_004336.5 (MANE Select); coding-DNA position 2874, A replaced by C.
Protein change: p.Lys958Asn; replaces lysine 958 with asparagine.
Molecular consequence: missense variant.
Genome position (GRCh38, 1-based): chr2:110,641,115, T>G on the plus strand (A>C on the coding strand, the complement: BUB1 is on the minus strand). VCF-style: chr2-110641115-T-G. GRCh37 (hg19) VCF-style: chr2-111398692-T-G.
Other names: c.2814A>C, p.Lys938Asn (NM_001278616.2); c.2703A>C, p.Lys901Asn (NM_001278617.2); short protein forms K901N, K938N, K958N.
Identifiers: ClinVar variation 2464592 (VCV002464592.5), dbSNP rs112704069, ClinGen allele CA1827703.

ClinVar aggregate classification (germline): Uncertain significance. Review status: criteria provided, multiple submitters, no conflicts (2 of 4 stars). 2 submissions from 2 submitters: Uncertain significance (2). Last evaluated 2025-09-28.

Allele frequency attached by ClinVar (database versions not stated): gnomAD exomes 0.00002; ExAC 0.00008; gnomAD 0.00022; TOPMed 0.00022; ESP Exome Variant Server 0.00031.
gnomAD v4.1: 85 of 1,613,584 alleles (0.0053%); highest among the groups gnomAD compares: African/African-American, 0.083%; 4 homozygotes.

Submissions (2):

Ambry Genetics
Classification: Uncertain significance. Last evaluated: 2025-09-28. Review status: criteria provided, single submitter. Criteria: Ambry Variant Classification Scheme 2023. Collection method: clinical testing. Allele origin: germline.

Labcorp Genetics (formerly Invitae), Labcorp
Classification: Uncertain significance. Last evaluated: 2025-04-27. Review status: criteria provided, single submitter. Criteria: Invitae Variant Classification Sherloc (09022015). Collection method: clinical testing. Allele origin: germline.
Comment: This sequence change replaces lysine, which is basic and polar, with asparagine, which is neutral and polar, at codon 958 of the BUB1 protein (p.Lys958Asn). This variant is present in population databases (rs112704069, gnomAD 0.08%), and has an allele count higher than expected for a pathogenic variant. This variant has not been reported in the literature in individuals affected with BUB1-related conditions. ClinVar contains an entry for this variant (Variation ID: 2464592). In summary, the available evidence is currently insufficient to determine the role of this variant in disease. Therefore, it has been classified as a Variant of Uncertain Significance.